The following is an entry in ClinVar:

NM_002335.4(LRP5):c.1375del (p.Asp459fs)

Gene: LRP5 (LDL receptor related protein 5; plus strand). Cytogenetic location: 11q13.2.
Variant type: Deletion.
Coding change: c.1375del on transcript NM_002335.4 (MANE Select); coding-DNA position 1375, one base deleted (G; older notation c.1375delG).
Protein change: p.Asp459fs; shifts the reading frame from aspartic acid 459.
Molecular consequence: frameshift variant. On other transcripts: 5 prime UTR variant (1).
Genome position (GRCh38, 1-based): chr11:68,386,675, G deleted; the last of 2 consecutive G bases (chr11:68,386,674-68,386,675); deleting either gives the same sequence. VCF-style (leftmost placement, unchanged base first): chr11-68386673-TG-T. GRCh37 (hg19) VCF-style: chr11-68154141-TG-T.
Other names: c.-391del (NM_001291902.2); short protein forms D459fs.
Identifiers: ClinVar variation 1459887 (VCV001459887.6), dbSNP rs2153153322, ClinGen allele CA2573147529.

ClinVar aggregate classification (germline): Pathogenic (1 of 4 stars; one submission).

Submission:

Labcorp Genetics (formerly Invitae), Labcorp
Classification: Pathogenic. Last evaluated: 2025-05-15. Review status: criteria provided, single submitter. Criteria: Invitae Variant Classification Sherloc (09022015). Collection method: clinical testing. Allele origin: germline.
Comment: This sequence change creates a premature translational stop signal (p.Asp459Thrfs*11) in the LRP5 gene. It is expected to result in an absent or disrupted protein product. Loss-of-function variants in LRP5 are known to be pathogenic (PMID: 11719191, 16252235, 25711638). This variant is not present in population databases (gnomAD no frequency). This variant has not been reported in the literature in individuals affected with LRP5-related conditions. ClinVar contains an entry for this variant (Variation ID: 1459887). For these reasons, this variant has been classified as Pathogenic.

Literature cited by the submitters: PubMed 11719191; PubMed 16252235; PubMed 25711638.